The following is an entry in ClinVar:

ClinVar aggregate classification (germline): Conflicting classifications of pathogenicity. Review status: criteria provided, conflicting classifications (1 of 4 stars). 2 submissions from 2 submitters: Uncertain significance (1); Likely benign (1). Last evaluated 2026-01-14.

Conditions:
Compton-North congenital myopathy (CMYO12). Identifiers: Orphanet 210163, MedGen C2675527, MONDO:0012929, OMIM 612540.

Allele frequency attached by ClinVar (database versions not stated): gnomAD exomes 0.00006 and 0.00014; ExAC 0.00015; gnomAD 0.00045; ESP Exome Variant Server 0.00054; 1000 Genomes Project 30x 0.00062; TOPMed 0.00065; 1000 Genomes Project 0.00080.
gnomAD v4.1: 176 of 1,614,048 alleles (0.011%); highest among the groups gnomAD compares: African/African-American, 0.21%; no homozygotes.

Submissions (2):

Labcorp Genetics (formerly Invitae), Labcorp
Classification: Likely benign for Compton-North congenital myopathy. Last evaluated: 2026-01-14. Review status: criteria provided, single submitter. Criteria: Invitae Variant Classification Sherloc (09022015). Collection method: clinical testing. Allele origin: germline.

GeneDx
Classification: Uncertain significance. Last evaluated: 2025-03-01. Review status: criteria provided, single submitter. Criteria: GeneDx Variant Classification Process June 2021. Collection method: clinical testing. Allele origin: germline. Affected: yes.
Comment: In silico analysis supports that this missense variant has a deleterious effect on protein structure/function; Has not been previously published as pathogenic or benign to our knowledge

NM_001843.4(CNTN1):c.278T>C (p.Met93Thr)

Gene: CNTN1 (contactin 1; plus strand). Cytogenetic location: 12q12.
Variant type: single nucleotide variant.
Coding change: c.278T>C on transcript NM_001843.4 (MANE Select); coding-DNA position 278, T replaced by C.
Protein change: p.Met93Thr; replaces methionine 93 with threonine.
Molecular consequence: missense variant.
Genome position (GRCh38, 1-based): chr12:40,922,306, T>C. VCF-style: chr12-40922306-T-C. GRCh37 (hg19) VCF-style: chr12-41316108-T-C.
Other names: c.278T>C, p.Met93Thr (NM_001256063.2, NM_001256064.2); c.245T>C, p.Met82Thr (NM_175038.2); short protein forms M93T, M82T.
Identifiers: ClinVar variation 423311 (VCV000423311.13), dbSNP rs142755965, ClinGen allele CA6516571.